The following is an entry in ClinVar:

ClinVar aggregate classification (germline): Pathogenic (1 of 4 stars; one submission).

Submission:

Labcorp Genetics (formerly Invitae), Labcorp
Classification: Pathogenic. Last evaluated: 2023-05-23. Review status: criteria provided, single submitter. Criteria: Invitae Variant Classification Sherloc (09022015). Collection method: clinical testing. Allele origin: germline.
Comment: For these reasons, this variant has been classified as Pathogenic. This variant has not been reported in the literature in individuals affected with SLC26A3-related conditions. This variant is not present in population databases (gnomAD no frequency). This sequence change creates a premature translational stop signal (p.Lys521Argfs*15) in the SLC26A3 gene. It is expected to result in an absent or disrupted protein product. Loss-of-function variants in SLC26A3 are known to be pathogenic (PMID: 9718329, 21394828).

Literature cited by the submitters: PubMed 9718329; PubMed 21394828.

NM_000111.3(SLC26A3):c.1562del (p.Lys521fs)

Gene: SLC26A3 (solute carrier family 26 member 3; minus strand). Cytogenetic location: 7q22.3.
Variant type: Deletion.
Coding change: c.1562del on transcript NM_000111.3 (MANE Select); coding-DNA position 1562, one base deleted (A; older notation c.1562delA).
Protein change: p.Lys521fs; shifts the reading frame from lysine 521.
Molecular consequence: frameshift variant.
Genome position (GRCh38, 1-based): chr7:107,776,659, T deleted on the plus strand (A on the coding strand, the reverse complement: SLC26A3 is on the minus strand); the first of 2 consecutive T bases (chr7:107,776,659-107,776,660); deleting either gives the same sequence. VCF-style (leftmost placement, unchanged base first): chr7-107776658-CT-C. GRCh37 (hg19) VCF-style: chr7-107417103-CT-C.
Other names: short protein forms K521fs.
Identifiers: ClinVar variation 2825281 (VCV002825281.3), dbSNP rs1365470411, ClinGen allele CA831176782.